The following is an entry in ClinVar:

NM_000517.6(HBA2):c.*38C>A

Genes: HBA2 (hemoglobin subunit alpha 2; plus strand), LOC106804612 (hemoglobin subunit alpha 2 recombination region; plus strand). Cytogenetic location: 16p13.3.
Variant type: single nucleotide variant.
Coding change: c.*38C>A on transcript NM_000517.6 (MANE Select); 38 bases downstream of the stop codon, C replaced by A.
Molecular consequence: 3 prime UTR variant.
Genome position (GRCh38, 1-based): chr16:173,638, C>A. VCF-style: chr16-173638-C-A. GRCh37 (hg19) VCF-style: chr16-223637-C-A.
Identifiers: ClinVar variation 3055049 (VCV003055049.2), dbSNP rs772995675, ClinGen allele CA7770203.
Genomic context (GRCh38, chr16:173,638, plus strand): 5'-TGCTGACCTCCAAATACCGTTAAGCTGGAGCCTCGGTAGCCGTTCCTCCTGCCCGCTGGG[C>A]CTCCCAACGGGCCCTCCTCCCCTCCTTGCACCGGCCCTTCCTGGTCTTTGAATAAAGTCT-3'

ClinVar aggregate classification (germline): Likely benign (0 of 4 stars; one submission).

Conditions:
HBA2-related disorder. Also called: HBA2-related condition.

Allele frequency attached by ClinVar (database versions not stated): gnomAD exomes 0.00001; TOPMed 0.00001; ExAC 0.00002.
gnomAD v4.1: 7 of 1,607,010 alleles (0.00044%); highest among the groups gnomAD compares: Admixed American, 0.005%; no homozygotes.

Submission:

PreventionGenetics, part of Exact Sciences
Classification: Likely benign for HBA2-related condition. Last evaluated: 2022-11-11. Review status: no assertion criteria provided. Collection method: clinical testing. Allele origin: germline.
Comment: This variant is classified as likely benign based on ACMG/AMP sequence variant interpretation guidelines (Richards et al. 2015 PMID: 25741868, with internal and published modifications).